The following is an entry in ClinVar:

ClinVar aggregate classification (germline): Uncertain significance. Review status: criteria provided, multiple submitters, no conflicts (2 of 4 stars). 2 submissions from 2 submitters: Uncertain significance (2). Last evaluated 2024-02-16.

Conditions:
Juvenile polyposis syndrome (JPS). Identifiers: Orphanet 2929, MedGen C0345893, MONDO:0017380, OMIM 174900.
Hereditary cancer-predisposing syndrome. Also called: Neoplastic Syndromes, Hereditary; Tumor predisposition; Hereditary Cancer Syndrome; Hereditary neoplastic syndrome. Identifiers: Orphanet 140162, MedGen C0027672, MeSH D009386, MONDO:0015356.

Submissions (2):

Labcorp Genetics (formerly Invitae), Labcorp
Classification: Uncertain significance for Juvenile polyposis syndrome. Last evaluated: 2024-02-16. Review status: criteria provided, single submitter. Criteria: Invitae Variant Classification Sherloc (09022015). Collection method: clinical testing. Allele origin: germline.
Comment: This sequence change replaces isoleucine, which is neutral and non-polar, with threonine, which is neutral and polar, at codon 168 of the BMPR1A protein (p.Ile168Thr). This variant is not present in population databases (gnomAD no frequency). This variant has not been reported in the literature in individuals affected with BMPR1A-related conditions. ClinVar contains an entry for this variant (Variation ID: 1744946). Advanced modeling of protein sequence and biophysical properties (such as structural, functional, and spatial information, amino acid conservation, physicochemical variation, residue mobility, and thermodynamic stability) performed at Invitae indicates that this missense variant is not expected to disrupt BMPR1A protein function with a negative predictive value of 80%. In summary, the available evidence is currently insufficient to determine the role of this variant in disease. Therefore, it has been classified as a Variant of Uncertain Significance.

Ambry Genetics
Classification: Uncertain significance for Hereditary cancer-predisposing syndrome. Last evaluated: 2022-10-20. Review status: criteria provided, single submitter. Criteria: Ambry Variant Classification Scheme 2023. Collection method: clinical testing. Allele origin: germline.
Comment: The p.I168T variant (also known as c.503T>C), located in coding exon 5 of the BMPR1A gene, results from a T to C substitution at nucleotide position 503. The isoleucine at codon 168 is replaced by threonine, an amino acid with similar properties. This amino acid position is conserved. In addition, the in silico prediction for this alteration is inconclusive. Since supporting evidence is limited at this time, the clinical significance of this alteration remains unclear.

NM_004329.3(BMPR1A):c.503T>C (p.Ile168Thr)

Gene: BMPR1A (bone morphogenetic protein receptor type 1A; plus strand). Cytogenetic location: 10q23.2.
Variant type: single nucleotide variant.
Coding change: c.503T>C on transcript NM_004329.3 (MANE Select); coding-DNA position 503, T replaced by C.
Protein change: p.Ile168Thr; replaces isoleucine 168 with threonine.
Molecular consequence: missense variant.
Genome position (GRCh38, 1-based): chr10:86,900,099, T>C. VCF-style: chr10-86900099-T-C. GRCh37 (hg19) VCF-style: chr10-88659856-T-C.
Other names: c.503T>C, p.Ile168Thr (NM_001406559.1, NM_001406560.1, NM_001406561.1 and 22 more transcripts); c.419T>C, p.Ile140Thr (NM_001406584.1, NM_001406585.1, NM_001406586.1 and 2 more transcripts); short protein forms I168T, I140T.
Identifiers: ClinVar variation 1744946 (VCV001744946.4), dbSNP rs2539495272, ClinGen allele CA377450604.